The following is an entry in ClinVar:

NM_001379500.1(COL18A1):c.845C>T (p.Thr282Met)

Gene: COL18A1 (collagen type XVIII alpha 1 chain; plus strand). Cytogenetic location: 21q22.3.
Variant type: single nucleotide variant.
Coding change: c.845C>T on transcript NM_001379500.1 (MANE Select); coding-DNA position 845, C replaced by T.
Protein change: p.Thr282Met; replaces threonine 282 with methionine.
Molecular consequence: missense variant.
Genome position (GRCh38, 1-based): chr21:45,476,397, C>T. VCF-style: chr21-45476397-C-T. GRCh37 (hg19) VCF-style: chr21-46896311-C-T.
Other names: c.1385C>T, p.Thr462Met (NM_030582.4); c.2090C>T, p.Thr697Met (NM_130444.3); short protein forms T697M, T282M, T462M.
Identifiers: ClinVar variation 1950913 (VCV001950913.3), dbSNP rs774455419, ClinGen allele CA10065962.

ClinVar aggregate classification (germline): Uncertain significance. Review status: criteria provided, multiple submitters, no conflicts (2 of 4 stars). 2 submissions from 2 submitters: Uncertain significance (2). Last evaluated 2023-05-05.

Conditions:
Knobloch syndrome 1 (KNO1). Identifiers: MedGen C4551775, MONDO:0800167, OMIM 267750.

Allele frequency attached by ClinVar (database versions not stated): TOPMed below 0.00001; gnomAD 0.00001; gnomAD exomes 0.00001; ExAC 0.00002.
gnomAD v4.1: 13 of 1,614,070 alleles (0.00081%); highest among the groups gnomAD compares: Admixed American, 0.0017%; no homozygotes.

Submissions (2):

New York Genome Center
Classification: Uncertain significance for Knobloch syndrome 1. Last evaluated: 2023-05-05. Review status: criteria provided, single submitter. Criteria: NYGC Assertion Criteria 2020. Collection method: clinical testing. Allele origin: inherited. Observed: 1 heterozygote.

Labcorp Genetics (formerly Invitae), Labcorp
Classification: Uncertain significance. Last evaluated: 2022-03-14. Review status: criteria provided, single submitter. Criteria: Invitae Variant Classification Sherloc (09022015). Collection method: clinical testing. Allele origin: germline.
Comment: This sequence change replaces threonine, which is neutral and polar, with methionine, which is neutral and non-polar, at codon 282 of the COL18A1 protein (p.Thr282Met). This variant is present in population databases (rs774455419, gnomAD 0.005%). This variant has not been reported in the literature in individuals affected with COL18A1-related conditions. Experimental studies and prediction algorithms are not available or were not evaluated, and the functional significance of this variant is currently unknown. In summary, the available evidence is currently insufficient to determine the role of this variant in disease. Therefore, it has been classified as a Variant of Uncertain Significance.